The following is an entry in ClinVar:

NM_000285.4(PEPD):c.1354G>A (p.Glu452Lys)

Gene: PEPD (peptidase D; minus strand). Cytogenetic location: 19q13.11.
Variant type: single nucleotide variant.
Coding change: c.1354G>A on transcript NM_000285.4 (MANE Select); coding-DNA position 1354, G replaced by A.
Protein change: p.Glu452Lys; replaces glutamic acid 452 with lysine.
Molecular consequence: missense variant.
Genome position (GRCh38, 1-based): chr19:33,387,472, C>T on the plus strand (G>A on the coding strand, the complement: PEPD is on the minus strand). VCF-style: chr19-33387472-C-T. GRCh37 (hg19) VCF-style: chr19-33878378-C-T.
Other names: c.1231G>A, p.Glu411Lys (NM_001166056.2); c.1162G>A, p.Glu388Lys (NM_001166057.2); short protein forms E411K, E452K, E388K.
Identifiers: ClinVar variation 1510807 (VCV001510807.3), dbSNP rs767937361, ClinGen allele CA307568558.
Genomic context (GRCh38, chr19:33,387,472, plus strand): 5'-CAGTGCGGGGCACGCAGGTCAGCAGCTCTATGCCGCTGTCAGTCACCACGACGTCCTCCT[C>T]GATGCGGACCTGGGTCAAGCCGACAGACACACATTATCATAGAGCAGCCTCATGTGCCAG-3'
Protein context (NP_000276.2, residues 442-462): RFRGFGGVRI[Glu452Lys]EDVVVTDSGI

ClinVar aggregate classification (germline): Uncertain significance (1 of 4 stars; one submission).

Allele frequency attached by ClinVar (database versions not stated): gnomAD exomes below 0.00001; TOPMed 0.00003; gnomAD 0.00005.
gnomAD v4.1: 14 of 1,613,578 alleles (0.00087%); highest among the groups gnomAD compares: East Asian, 0.0045%; no homozygotes.

Submission:

Labcorp Genetics (formerly Invitae), Labcorp
Classification: Uncertain significance. Last evaluated: 2022-08-16. Review status: criteria provided, single submitter. Criteria: Invitae Variant Classification Sherloc (09022015). Collection method: clinical testing. Allele origin: germline.
Comment: This sequence change replaces glutamic acid, which is acidic and polar, with lysine, which is basic and polar, at codon 452 of the PEPD protein (p.Glu452Lys). This variant is present in population databases (rs767937361, gnomAD 0.1%). This missense change has been observed in individual(s) with prolidase deficiency (PMID: 25460580). This variant is also known as p.Glu451Lys. ClinVar contains an entry for this variant (Variation ID: 1510807). Algorithms developed to predict the effect of missense changes on protein structure and function are either unavailable or do not agree on the potential impact of this missense change (SIFT: "Deleterious"; PolyPhen-2: "Probably Damaging"; Align-GVGD: "Class C0"). In summary, the available evidence is currently insufficient to determine the role of this variant in disease. Therefore, it has been classified as a Variant of Uncertain Significance.

Literature cited by the submitters: PubMed 25460580.